The following is an entry in ClinVar:

NM_001271.4(CHD2):c.1749A>C (p.Gln583His)

Gene: CHD2 (chromodomain helicase DNA binding protein 2; plus strand). Cytogenetic location: 15q26.1.
Variant type: single nucleotide variant.
Coding change: c.1749A>C on transcript NM_001271.4 (MANE Select); coding-DNA position 1749, A replaced by C.
Protein change: p.Gln583His; replaces glutamine 583 with histidine.
Molecular consequence: missense variant.
Genome position (GRCh38, 1-based): chr15:92,955,452, A>C. VCF-style: chr15-92955452-A-C. GRCh37 (hg19) VCF-style: chr15-93498682-A-C.
Other names: short protein forms Q583H.
Identifiers: ClinVar variation 423089 (VCV000423089.2), dbSNP rs1064796220, ClinGen allele CA16620040.

ClinVar aggregate classification (germline): Uncertain significance (1 of 4 stars; one submission).

Submission:

GeneDx
Classification: Uncertain significance. Last evaluated: 2017-01-23. Review status: criteria provided, single submitter. Criteria: GeneDx Variant Classification (06012015). Collection method: clinical testing. Allele origin: germline. Affected: yes.
Comment: A variant of uncertain significance has been identified in the CHD2 gene. The Q583H variant has not been published as a pathogenic variant, nor has it been reported as a benign variant to our knowledge. The Q583H variant is not observed in large population cohorts (Lek et al., 2016; 1000 Genomes Consortium et al., 2015; Exome Variant Server). The Q583H variant is a semi-conservative amino acid substitution, which may impact secondary protein structure as these residues differ in some properties. This substitution occurs at a position that is conserved across species. In silico analysis is inconsistent in its predictions as to whether or not the variant is damaging to the protein structure/function. Therefore, based on the currently available information, it is unclear whether this variant is a pathogenic variant or a rare benign variant.